The following is an entry in ClinVar:

NM_000179.3(MSH6):c.458-17A>C

Gene: MSH6 (mutS homolog 6; plus strand). Cytogenetic location: 2p16.3.
Variant type: single nucleotide variant.
Coding change: c.458-17A>C on transcript NM_000179.3 (MANE Select); 17 bases into the intron before coding-DNA position 458, A replaced by C.
Molecular consequence: intron variant.
Genome position (GRCh38, 1-based): chr2:47,795,877, A>C. VCF-style: chr2-47795877-A-C. GRCh37 (hg19) VCF-style: chr2-48023016-A-C.
Other names: c.-279-2734A>C (NM_001281493.2); c.238-2734A>C (NM_001281492.2); c.-445-17A>C (NM_001281494.2).
Identifiers: ClinVar variation 1618246 (VCV001618246.9), dbSNP rs554847828, ClinGen allele CA2573134895.

ClinVar aggregate classification (germline): Likely benign. Review status: criteria provided, multiple submitters, no conflicts (2 of 4 stars). 2 submissions from 2 submitters: Likely benign (2). Last evaluated 2025-10-06.

Conditions:
Hereditary nonpolyposis colorectal neoplasms. Identifiers: MedGen C0009405, MeSH D003123.
Lynch syndrome 5 (LYNCH5). Also called: Colorectal cancer, hereditary nonpolyposis, type 5; Hereditary non-polyposis colorectal cancer, type 5. Identifiers: Orphanet 144, MedGen C1833477, MONDO:0013710, OMIM 614350. Disease mechanism: loss of function.

gnomAD v4.1: 3 of 1,612,410 alleles (0.00019%); highest among the groups gnomAD compares: Non-Finnish European, 0.00025%; no homozygotes.

Submissions (2):

Labcorp Genetics (formerly Invitae), Labcorp
Classification: Likely benign for Hereditary nonpolyposis colorectal neoplasms. Last evaluated: 2025-10-06. Review status: criteria provided, single submitter. Criteria: Invitae Variant Classification Sherloc (09022015). Collection method: clinical testing. Allele origin: germline.

Myriad Genetics, Inc.
Classification: Likely benign for Lynch syndrome 5. Last evaluated: 2024-12-18. Review status: criteria provided, single submitter. Criteria: Myriad Autosomal Dominant, Autosomal Recessive and X-Linked Classification Criteria (2023). Collection method: clinical testing. Allele origin: unknown.
Comment: This variant is considered likely benign. This variant is intronic and is not expected to impact mRNA splicing.